The following is an entry in ClinVar:

ClinVar aggregate classification (germline): Uncertain significance (1 of 4 stars; one submission).

Conditions:
Inborn genetic diseases. Identifiers: MedGen C0950123, MeSH D030342.

gnomAD v4.1: 1 of 1,606,452 alleles (0.000062%); highest among the groups gnomAD compares: Non-Finnish European, 0.000085%; no homozygotes.

Submission:

Ambry Genetics
Classification: Uncertain significance for Inborn genetic diseases. Last evaluated: 2025-02-03. Review status: criteria provided, single submitter. Criteria: Ambry Variant Classification Scheme 2023. Collection method: clinical testing. Allele origin: germline.
Comment: The p.Q41H variant (also known as c.123G>T), located in coding exon 2 of the DDX41 gene, results from a G to T substitution at nucleotide position 123. The glutamine at codon 41 is replaced by histidine, an amino acid with highly similar properties. This amino acid position is conserved. In addition, this alteration is predicted to be tolerated by in silico analysis. Based on the available evidence, the clinical significance of this variant remains unclear.

NM_016222.4(DDX41):c.123G>T (p.Gln41His)

Gene: DDX41 (DEAD-box helicase 41; minus strand). Cytogenetic location: 5q35.3.
Variant type: single nucleotide variant.
Coding change: c.123G>T on transcript NM_016222.4 (MANE Select); coding-DNA position 123, G replaced by T.
Protein change: p.Gln41His; replaces glutamine 41 with histidine.
Molecular consequence: missense variant. On other transcripts: 5 prime UTR variant (2).
Genome position (GRCh38, 1-based): chr5:177,516,740, C>A on the plus strand (G>T on the coding strand, the complement: DDX41 is on the minus strand). VCF-style: chr5-177516740-C-A. GRCh37 (hg19) VCF-style: chr5-176943741-C-A.
Other names: c.-533G>T (NM_001321732.2); c.-325G>T (NM_001321830.2); short protein forms Q41H.
Identifiers: ClinVar variation 3839025 (VCV003839025.1).